The following is an entry in ClinVar:

ClinVar aggregate classification (germline): Uncertain significance. Review status: criteria provided, single submitter (1 of 4 stars). 3 submissions from 3 submitters: Uncertain significance (1). 2 of the submissions do not count toward it. Last evaluated 2022-06-20.

Conditions:
CEP290-related disorder. Also called: CEP290-related condition; CEP290-related disorders. Identifiers: MedGen CN239314.
Joubert syndrome. Also called: Familial aplasia of the vermis; CEREBELLOPARENCHYMAL DISORDER IV; JOUBERT-BOLTSHAUSER SYNDROME. Identifiers: Orphanet 475, MedGen C5979921, MONDO:0018772.
Meckel-Gruber syndrome. Also called: Dysencephalia splachnocystica; DYSENCEPHALIA SPLANCHNOCYSTICA; GRUBER SYNDROME. Identifiers: Orphanet 564, MedGen C0265215, MONDO:0018921.
Nephronophthisis. Also called: Juvenile Nephronophthisis. Identifiers: Orphanet 655, MedGen C0687120, MONDO:0019005, HP:0000090.
Leber congenital amaurosis (LCA). Also called: Leber's amaurosis. Identifiers: Orphanet 65, MedGen C0339527, MeSH D057130, MONDO:0018998.

Submissions (3):

Labcorp Genetics (formerly Invitae), Labcorp
Classification: Uncertain significance for Joubert syndrome; Meckel-Gruber syndrome; Nephronophthisis. Last evaluated: 2022-06-20. Review status: criteria provided, single submitter. Criteria: Invitae Variant Classification Sherloc (09022015). Collection method: clinical testing. Allele origin: germline.
Comment: This sequence change affects codon 2045 of the CEP290 mRNA. It is a 'silent' change, meaning that it does not change the encoded amino acid sequence of the CEP290 protein. It affects a nucleotide within the consensus splice site. This variant is not present in population databases (gnomAD no frequency). This variant has not been reported in the literature in individuals affected with CEP290-related conditions. ClinVar contains an entry for this variant (Variation ID: 1000014). Algorithms developed to predict the effect of sequence changes on RNA splicing suggest that this variant is not likely to affect RNA splicing. In summary, the available evidence is currently insufficient to determine the role of this variant in disease. Therefore, it has been classified as a Variant of Uncertain Significance.

PreventionGenetics, part of Exact Sciences
Classification: Likely benign for CEP290-related condition. Last evaluated: 2022-09-30. Review status: no assertion criteria provided. Collection method: clinical testing. Allele origin: germline. Not counted in ClinVar's aggregate classification.
Comment: This variant is classified as likely benign based on ACMG/AMP sequence variant interpretation guidelines (Richards et al. 2015 PMID: 25741868, with internal and published modifications).

Natera, Inc.
Classification: Uncertain significance for Leber congenital amaurosis. Last evaluated: 2020-03-13. Review status: no assertion criteria provided. Collection method: clinical testing. Allele origin: germline. Not counted in ClinVar's aggregate classification.

NM_025114.4(CEP290):c.6135A>G (p.Ser2045=)

Gene: CEP290 (centrosomal protein 290; minus strand). Cytogenetic location: 12q21.32.
Variant type: single nucleotide variant.
Coding change: c.6135A>G on transcript NM_025114.4 (MANE Select); coding-DNA position 6135, A replaced by G.
Protein change: p.Ser2045=; no amino-acid change (serine 2045 retained).
Molecular consequence: synonymous variant.
Genome position (GRCh38, 1-based): chr12:88,068,522, T>C on the plus strand (A>G on the coding strand, the complement: CEP290 is on the minus strand). VCF-style: chr12-88068522-T-C. GRCh37 (hg19) VCF-style: chr12-88462299-T-C.
Other names: c.6135A>G (NM_025114.3).
Identifiers: ClinVar variation 1000014 (VCV001000014.8), dbSNP rs2035114777, ClinGen allele CA481071198.